The following is an entry in ClinVar:

ClinVar aggregate classification (germline): Uncertain significance. Review status: criteria provided, multiple submitters, no conflicts (2 of 4 stars). 2 submissions from 2 submitters: Uncertain significance (2). Last evaluated 2025-05-19.

Conditions:
Inborn genetic diseases. Identifiers: MedGen C0950123, MeSH D030342.

Allele frequency attached by ClinVar (database versions not stated): ESP Exome Variant Server 0.00009; ExAC 0.00001; gnomAD 0.00001.
gnomAD v4.1: 11 of 1,210,865 alleles (0.00091%); highest among the groups gnomAD compares: Non-Finnish European, 0.0011%; no homozygotes.

Submissions (2):

Ambry Genetics
Classification: Uncertain significance for Inborn genetic diseases. Last evaluated: 2025-05-19. Review status: criteria provided, single submitter. Criteria: Ambry Variant Classification Scheme 2023. Collection method: clinical testing. Allele origin: germline.

Labcorp Genetics (formerly Invitae), Labcorp
Classification: Uncertain significance. Last evaluated: 2022-04-18. Review status: criteria provided, single submitter. Criteria: Invitae Variant Classification Sherloc (09022015). Collection method: clinical testing. Allele origin: germline.
Comment: This sequence change replaces isoleucine, which is neutral and non-polar, with valine, which is neutral and non-polar, at codon 90 of the NKAP protein (p.Ile90Val). This variant is present in population databases (rs370316717, gnomAD 0.001%). This variant has not been reported in the literature in individuals affected with NKAP-related conditions. Algorithms developed to predict the effect of missense changes on protein structure and function (SIFT, PolyPhen-2, Align-GVGD) all suggest that this variant is likely to be tolerated. In summary, the available evidence is currently insufficient to determine the role of this variant in disease. Therefore, it has been classified as a Variant of Uncertain Significance.

NM_024528.4(NKAP):c.268A>G (p.Ile90Val)

Gene: NKAP (NFKB activating protein; minus strand). Cytogenetic location: Xq24.
Variant type: single nucleotide variant.
Coding change: c.268A>G on transcript NM_024528.4 (MANE Select); coding-DNA position 268, A replaced by G.
Protein change: p.Ile90Val; replaces isoleucine 90 with valine.
Molecular consequence: missense variant.
Genome position (GRCh38, 1-based): chrX:119,943,338, T>C on the plus strand (A>G on the coding strand, the complement: NKAP is on the minus strand). VCF-style: chrX-119943338-T-C. GRCh37 (hg19) VCF-style: chrX-119077301-T-C.
Other names: short protein forms I90V.
Identifiers: ClinVar variation 2080872 (VCV002080872.5), dbSNP rs370316717, ClinGen allele CA10503919.